The following is an entry in ClinVar:

NM_006245.4(PPP2R5D):c.-8G>C

Genes: PPP2R5D (protein phosphatase 2 regulatory subunit B'delta; plus strand), LOC129996483 (ATAC-STARR-seq lymphoblastoid silent region 17211; plus strand). Cytogenetic location: 6p21.1.
Variant type: single nucleotide variant.
Coding change: c.-8G>C on transcript NM_006245.4 (MANE Select); 8 bases upstream of the start codon, G replaced by C.
Molecular consequence: 5 prime UTR variant.
Genome position (GRCh38, 1-based): chr6:42,984,670, G>C. VCF-style: chr6-42984670-G-C. GRCh37 (hg19) VCF-style: chr6-42952408-G-C.
Other names: c.-478G>C (NM_001270476.2); c.-8G>C (NM_180976.3, NM_180977.3).
Identifiers: ClinVar variation 4979197 (VCV004979197.1).
Genomic context (GRCh38, chr6:42,984,670, plus strand): 5'-AGTGCGGCCGAGCAAAGCCGGAGCCGGAGCGGGGCCGCAGGAGACGGGCCGGGTCCGGAC[G>C]GGCCGAGATGCCCTATAAACTGAAAAAGGAGAAGGTGAGCGTGGCCCTTTTTCCCCCACC-3'

ClinVar aggregate classification (germline): Likely benign (1 of 4 stars; one submission).

Conditions:
PPP2R5D-related disorder. Also called: PPP2R5D-related condition.

gnomAD v4.1: 142 of 1,605,942 alleles (0.0088%); highest among the groups gnomAD compares: Non-Finnish European, 0.012%; no homozygotes.

Submission:

PreventionGenetics, part of Exact Sciences
Classification: Likely benign for PPP2R5D-related condition. Last evaluated: 2026-06-30. Review status: criteria provided, single submitter. Criteria: ACMG Guidelines, 2015. Collection method: clinical testing. Allele origin: germline.
Comment: This variant is classified as likely benign based on ACMG/AMP sequence variant interpretation guidelines (Richards et al. 2015 PMID: 25741868, with internal and published modifications).